The following is an entry in ClinVar:

ClinVar aggregate classification (germline): Uncertain significance (1 of 4 stars; one submission).

Conditions:
Aortic aneurysm, familial thoracic 7 (AAT7). Also called: AORTIC DISSECTION, FAMILIAL, WITH OR WITHOUT AORTIC ANEURYSM. Identifiers: MedGen C3151077, MONDO:0013418, OMIM 613780.

Submission:

Labcorp Genetics (formerly Invitae), Labcorp
Classification: Uncertain significance for Aortic aneurysm, familial thoracic 7. Last evaluated: 2025-06-10. Review status: criteria provided, single submitter. Criteria: Invitae Variant Classification Sherloc (09022015). Collection method: clinical testing. Allele origin: germline.
Comment: This sequence change replaces aspartic acid, which is acidic and polar, with alanine, which is neutral and non-polar, at codon 717 of the MYLK protein (p.Asp717Ala). This variant is not present in population databases (gnomAD no frequency). This variant has not been reported in the literature in individuals affected with MYLK-related conditions. ClinVar contains an entry for this variant (Variation ID: 3671050). Invitae Evidence Modeling of protein sequence and biophysical properties (such as structural, functional, and spatial information, amino acid conservation, physicochemical variation, residue mobility, and thermodynamic stability) indicates that this missense variant is not expected to disrupt MYLK protein function with a negative predictive value of 80%. In summary, the available evidence is currently insufficient to determine the role of this variant in disease. Therefore, it has been classified as a Variant of Uncertain Significance.

NM_053025.4(MYLK):c.2150A>C (p.Asp717Ala)

Gene: MYLK (myosin light chain kinase; minus strand). Cytogenetic location: 3q21.1.
Variant type: single nucleotide variant.
Coding change: c.2150A>C on transcript NM_053025.4 (MANE Select); coding-DNA position 2150, A replaced by C.
Protein change: p.Asp717Ala; replaces aspartic acid 717 with alanine.
Molecular consequence: missense variant.
Genome position (GRCh38, 1-based): chr3:123,707,994, T>G on the plus strand (A>C on the coding strand, the complement: MYLK is on the minus strand). VCF-style: chr3-123707994-T-G. GRCh37 (hg19) VCF-style: chr3-123426841-T-G.
Other names: c.1622A>C, p.Asp541Ala (NM_001321309.2); c.1943A>C, p.Asp648Ala (NM_053026.4, NM_053028.4); c.2150A>C, p.Asp717Ala (NM_053027.4); short protein forms D541A, D648A, D717A.
Identifiers: ClinVar variation 3671050 (VCV003671050.2).